The following is an entry in ClinVar:

NM_001267550.2(TTN):c.46265_46266del (p.Lys15422fs)

Gene: TTN (titin; minus strand). Cytogenetic location: 2q31.2.
Variant type: Deletion.
Coding change: c.46265_46266del on transcript NM_001267550.2 (MANE Select); coding-DNA positions 46265 to 46266, 2 bases deleted (AA; older notation c.46265_46266delAA).
Protein change: p.Lys15422fs; shifts the reading frame from lysine 15422.
Molecular consequence: frameshift variant.
Genome position (GRCh38, 1-based): chr2:178,620,255-178,620,256, TT deleted on the plus strand (AA on the coding strand, the reverse complement: TTN is on the minus strand); deleting any 2 consecutive bases within chr2:178,620,255-178,620,258 gives the same sequence; the c. name uses the placement nearest the transcript's 3' end. VCF-style (leftmost placement, unchanged base first): chr2-178620254-ATT-A. GRCh37 (hg19) VCF-style: chr2-179484981-ATT-A.
Other names: c.41342_41343del, p.Lys13781fs (NM_001256850.1); c.19070_19071del, p.Lys6357fs (NM_003319.4); c.38561_38562del, p.Lys12854fs (NM_133378.4); c.19445_19446del, p.Lys6482fs (NM_133432.3); c.19646_19647del, p.Lys6549fs (NM_133437.4); short protein forms K12854fs, K13781fs, K15422fs, K6357fs, K6482fs, K6549fs.
Identifiers: ClinVar variation 4879677 (VCV004879677.1).

ClinVar aggregate classification (germline): Likely pathogenic (1 of 4 stars; one submission).

Conditions:
Dilated cardiomyopathy 1G (CMD1G). Identifiers: Orphanet 154, MedGen C1858763, MONDO:0011400, OMIM 604145.

Submission:

Victorian Clinical Genetics Services, Murdoch Childrens Research Institute
Classification: Likely pathogenic for Dilated cardiomyopathy 1G. Last evaluated: 2026-05-25. Review status: criteria provided, single submitter. Criteria: ACMG Guidelines, 2015. Collection method: clinical testing. Allele origin: germline. Affected: yes.
Comment: This variant is classified as Likely pathogenic. Evidence in support of pathogenic classification: Variant is predicted to cause nonsense-mediated decay (NMD) and loss of protein (premature termination codon is located at least 54 nucleotides upstream of the final exon-exon junction); Variant is absent from gnomAD (v2, v3 and v4); Other NMD-predicted variants comparable to the one identified in this case have strong previous evidence for pathogenicity (ClinVar). Additional information: This variant is heterozygous; This gene is associated with both recessive and dominant disease (OMIM); This variant has no previous evidence of pathogenicity; No published evidence of segregation with disease has been identified for this variant; No published functional evidence has been identified for this variant; Variant is located in the annotated I-band and the exon has a PSI score of 100% (PMID: 25589632); Loss of function is a known mechanism of disease in this gene. In addition, dominant negative is also a suggested mechanism (PMID: 25589632); The condition associated with this gene has incomplete penetrance. Variants in this gene that result in a premature termination codon (PTC) are known to have reduced penetrance in DCM (PMID: 25589632).

Literature cited by the submitters: PubMed 25589632.